The following is an entry in ClinVar:

NM_000548.5(TSC2):c.3890C>T (p.Ala1297Val)

Gene: TSC2 (TSC complex subunit 2; plus strand). Cytogenetic location: 16p13.3.
Variant type: single nucleotide variant.
Coding change: c.3890C>T on transcript NM_000548.5 (MANE Select); coding-DNA position 3890, C replaced by T.
Protein change: p.Ala1297Val; replaces alanine 1297 with valine.
Molecular consequence: missense variant.
Genome position (GRCh38, 1-based): chr16:2,083,701, C>T. VCF-style: chr16-2083701-C-T. GRCh37 (hg19) VCF-style: chr16-2133702-C-T.
Other names: c.3689C>T, p.Ala1230Val (NM_001077183.3); c.3821C>T, p.Ala1274Val (NM_001114382.3); c.3581C>T, p.Ala1194Val (NM_001318827.2); c.3545C>T, p.Ala1182Val (NM_001318829.2); c.3158C>T, p.Ala1053Val (NM_001318831.2); c.3722C>T, p.Ala1241Val (NM_001318832.2); c.3692C>T, p.Ala1231Val (NM_001363528.2); c.3758C>T, p.Ala1253Val (NM_001370404.1); and 2 more; short protein forms A1297V, A1182V, A1230V, A1241V, A1274V, A1231V, A1254V, A1053V.
Identifiers: ClinVar variation 468046 (VCV000468046.61), dbSNP rs371239156, ClinGen allele CA276752704.

ClinVar aggregate classification (germline): Conflicting classifications of pathogenicity. Review status: criteria provided, conflicting classifications (1 of 4 stars). 10 submissions from 10 submitters: Uncertain significance (6); Benign (1); Likely benign (2). 1 of the submissions does not count toward it. Last evaluated 2026-08-01.

Conditions:
TSC2-related disorder. Also called: TSC2-Related Disorders; TSC2-related condition.
Hereditary cancer-predisposing syndrome. Also called: Hereditary neoplastic syndrome; Tumor predisposition; Neoplastic Syndromes, Hereditary; Hereditary Cancer Syndrome. Identifiers: Orphanet 140162, MedGen C0027672, MeSH D009386, MONDO:0015356.
Isolated focal cortical dysplasia type II (FCORD2). Also called: Focal cortical dysplasia type II; CORTICAL DYSPLASIA OF TAYLOR. Identifiers: Orphanet 268994, MedGen C1846385, MONDO:0011818, OMIM 607341, HP:0032051.
Tuberous sclerosis syndrome (TSC). Also called: Tuberous Sclerosis Complex; Tuberous sclerosis. Identifiers: Orphanet 805, MedGen C0041341, MONDO:0001734.
Tuberous sclerosis 2 (TSC2). Identifiers: Orphanet 805, MedGen C1860707, MONDO:0013199, OMIM 613254.

Allele frequency attached by ClinVar (database versions not stated): TOPMed below 0.00001; gnomAD exomes 0.00002; ESP Exome Variant Server 0.00008.
gnomAD v4.1: 24 of 1,584,790 alleles (0.0015%); highest among the groups gnomAD compares: Non-Finnish European, 0.0019%; no homozygotes.

Submissions (10):

CeGaT Center for Human Genetics Tuebingen
Classification: Uncertain significance. Last evaluated: 2026-08-01. Review status: criteria provided, single submitter. Criteria: CeGaT Center For Human Genetics Tuebingen Variant Classification Criteria Version 2. Collection method: clinical testing. Allele origin: germline. Affected: yes. Observed: 2 variant alleles.
Comment: TSC2: PM2

Ambry Genetics
Classification: Likely benign for Hereditary cancer-predisposing syndrome. Last evaluated: 2026-04-03. Review status: criteria provided, single submitter. Criteria: Ambry Variant Classification Scheme 2023. Collection method: clinical testing. Allele origin: germline.

Labcorp Genetics (formerly Invitae), Labcorp
Classification: Benign for Tuberous sclerosis 2. Last evaluated: 2025-09-30. Review status: criteria provided, single submitter. Criteria: Invitae Variant Classification Sherloc (09022015). Collection method: clinical testing. Allele origin: germline.

Baylor Genetics
Classification: Uncertain significance for Isolated focal cortical dysplasia type II. Last evaluated: 2024-03-09. Review status: criteria provided, single submitter. Criteria: ACMG Guidelines, 2015. Collection method: clinical testing. Allele origin: unknown.

Color Diagnostics, LLC DBA Color Health
Classification: Uncertain significance for Tuberous sclerosis syndrome. Last evaluated: 2024-03-06. Review status: criteria provided, single submitter. Criteria: ACMG Guidelines, 2015. Collection method: clinical testing. Allele origin: germline.
Comment: This missense variant replaces alanine with valine at codon 1297 of the TSC2 protein. Computational prediction suggests that this variant may not impact protein structure and function. To our knowledge, functional studies have not been reported for this variant. This variant has not been reported in individuals affected with tuberous sclerosis complex in the literature. This variant has not been identified in the general population by the Genome Aggregation Database (gnomAD). The available evidence is insufficient to determine the role of this variant in disease conclusively. Therefore, this variant is classified as a Variant of Uncertain Significance.

All of Us Research Program, National Institutes of Health
Classification: Uncertain significance for Tuberous sclerosis syndrome. Last evaluated: 2023-05-23. Review status: criteria provided, single submitter. Criteria: ACMG Guidelines, 2015. Collection method: clinical testing. Allele origin: germline. Inheritance: Autosomal dominant inheritance. Observed: 2 variant alleles, 2 heterozygotes.
Comment: This missense variant replaces alanine with valine at codon 1297 of the TSC2 protein. Computational prediction suggests that this variant may not impact protein structure and function (internally defined REVEL score threshold <= 0.5, PMID: 27666373). To our knowledge, functional studies have not been reported for this variant. This variant has not been reported in individuals affected with tuberous sclerosis complex in the literature. This variant has not been identified in the general population by the Genome Aggregation Database (gnomAD). The available evidence is insufficient to determine the role of this variant in disease conclusively. Therefore, this variant is classified as a Variant of Uncertain Significance.

This study involves interpretation of variants in research participants for the purpose of population health screening. Participant phenotype was not available at the time of variant classification. Additional details can be found in publication PMID: 35346344, PMCID: PMC8962531

Genome-Nilou Lab
Classification: Likely benign for Tuberous sclerosis 2. Last evaluated: 2021-11-07. Review status: criteria provided, single submitter. Criteria: ACMG Guidelines, 2015. Collection method: clinical testing. Allele origin: germline. Affected: no.

GeneDx
Classification: Uncertain significance. Last evaluated: 2019-10-08. Review status: criteria provided, single submitter. Criteria: GeneDx Variant Classification Process June 2021. Collection method: clinical testing. Allele origin: germline. Affected: yes.
Comment: In silico analysis, which includes protein predictors and evolutionary conservation, supports that this variant does not alter protein structure/function; Has not been previously published as pathogenic or benign to our knowledge; No data available from control populations to assess the frequency of this variant

Illumina Laboratory Services, Illumina
Classification: Uncertain significance for Tuberous sclerosis syndrome. Last evaluated: 2018-01-13. Review status: criteria provided, single submitter. Criteria: ICSL Variant Classification Criteria 13 December 2019. Collection method: clinical testing. Allele origin: germline.

PreventionGenetics, part of Exact Sciences
Classification: Uncertain significance for TSC2-related condition. Last evaluated: 2024-02-14. Review status: no assertion criteria provided. Collection method: clinical testing. Allele origin: germline. Not counted in ClinVar's aggregate classification.
Comment: The TSC2 c.3890C>T variant is predicted to result in the amino acid substitution p.Ala1297Val. To our knowledge, this variant has not been reported in the literature. This variant is reported in 0.0011% of alleles in individuals of European (Non-Finnish) descent in gnomAD. At this time, the clinical significance of this variant is uncertain due to the absence of conclusive functional and genetic evidence.